The following is an entry in ClinVar:

ClinVar aggregate classification (germline): Likely benign. Review status: criteria provided, multiple submitters, no conflicts (2 of 4 stars). 2 submissions from 2 submitters: Likely benign (2). Last evaluated 2025-08-19.

Allele frequency attached by ClinVar (database versions not stated): gnomAD exomes 0.00003; 1000 Genomes Project 0.00020; gnomAD below 0.00001 and 0.00002; ExAC 0.00003.
gnomAD v4.1: 35 of 1,328,568 alleles (0.0026%); highest among the groups gnomAD compares: South Asian, 0.027%; no homozygotes.

Submissions (2):

Labcorp Genetics (formerly Invitae), Labcorp
Classification: Likely benign. Last evaluated: 2025-08-19. Review status: criteria provided, single submitter. Criteria: Invitae Variant Classification Sherloc (09022015). Collection method: clinical testing. Allele origin: germline.

Laboratory for Molecular Medicine, Mass General Brigham Personalized Medicine
Classification: Likely benign. Last evaluated: 2017-08-23. Review status: criteria provided, single submitter. Criteria: LMM Criteria. Collection method: clinical testing. Allele origin: germline. Observed: 1 variant allele.
Comment: c.10161+9C>A in intron 48 of GPR98: This variant is not expected to have clinica l significance because it does not alter an amino acid residue and is not locate d within the splice consensus sequence. It has been identified in 0.02% (4/16504 ) of South Asian chromosomes by the Exome Aggregation Consortium (ExAC; dbSNP rs537317888).

NM_032119.4(ADGRV1):c.10161+9C>A

Gene: ADGRV1 (adhesion G protein-coupled receptor V1; plus strand). Cytogenetic location: 5q14.3.
Variant type: single nucleotide variant.
Coding change: c.10161+9C>A on transcript NM_032119.4 (MANE Select); 9 bases into the intron after coding-DNA position 10161, C replaced by A.
Molecular consequence: intron variant.
Genome position (GRCh38, 1-based): chr5:90,725,665, C>A. VCF-style: chr5-90725665-C-A. GRCh37 (hg19) VCF-style: chr5-90021482-C-A.
Identifiers: ClinVar variation 666644 (VCV000666644.7), dbSNP rs537317888, ClinGen allele CA3340676.
Genomic context (GRCh38, chr5:90,725,665, plus strand): 5'-CCAAGATTATTTAATCATTGCAAGTCAAAGAGATGATTCCGAATTAACTCAGGTTTGATT[C>A]TTTTAAAATGAAGTGGGTTTTTTTTTGCTTTTCTTTTTAACATTATAATTGAAATTTACC-3'